The following is an entry in ClinVar:

NM_030912.3(TRIM8):c.1100G>C (p.Cys367Ser)

Gene: TRIM8 (tripartite motif containing 8; plus strand). Cytogenetic location: 10q24.32.
Variant type: single nucleotide variant.
Coding change: c.1100G>C on transcript NM_030912.3 (MANE Select); coding-DNA position 1100, G replaced by C.
Protein change: p.Cys367Ser; replaces cysteine 367 with serine.
Molecular consequence: missense variant. On other transcripts: non-coding transcript variant (1).
Genome position (GRCh38, 1-based): chr10:102,656,798, G>C. VCF-style: chr10-102656798-G-C. GRCh37 (hg19) VCF-style: chr10-104416555-G-C.
Other names: c.1004G>C, p.Cys335Ser (NM_001345950.1); short protein forms C335S, C367S.
Identifiers: ClinVar variation 2829926 (VCV002829926.3), dbSNP rs2492914937, ClinGen allele CA377931131.

ClinVar aggregate classification (germline): Uncertain significance (1 of 4 stars; one submission).

Submission:

Labcorp Genetics (formerly Invitae), Labcorp
Classification: Uncertain significance. Last evaluated: 2023-01-18. Review status: criteria provided, single submitter. Criteria: Invitae Variant Classification Sherloc (09022015). Collection method: clinical testing. Allele origin: germline.
Comment: In summary, the available evidence is currently insufficient to determine the role of this variant in disease. Therefore, it has been classified as a Variant of Uncertain Significance. Algorithms developed to predict the effect of missense changes on protein structure and function (SIFT, PolyPhen-2, Align-GVGD) all suggest that this variant is likely to be tolerated. This variant has not been reported in the literature in individuals affected with TRIM8-related conditions. This variant is not present in population databases (gnomAD no frequency). This sequence change replaces cysteine, which is neutral and slightly polar, with serine, which is neutral and polar, at codon 367 of the TRIM8 protein (p.Cys367Ser).